The following is an entry in ClinVar:

NM_000553.6(WRN):c.3438G>A (p.Ser1146=)

Gene: WRN (WRN RecQ like helicase; plus strand). Cytogenetic location: 8p12.
Variant type: single nucleotide variant.
Coding change: c.3438G>A on transcript NM_000553.6 (MANE Select); coding-DNA position 3438, G replaced by A.
Protein change: p.Ser1146=; no amino-acid change (serine 1146 retained).
Molecular consequence: synonymous variant.
Genome position (GRCh38, 1-based): chr8:31,147,107, G>A. VCF-style: chr8-31147107-G-A. GRCh37 (hg19) VCF-style: chr8-31004623-G-A.
Identifiers: ClinVar variation 458456 (VCV000458456.8), dbSNP rs750737389, ClinGen allele CA4705061.
Genomic context (GRCh38, chr8:31,147,107, plus strand): 5'-TTTTAGTATCATGGTACAGTCACCAGAAAAAGCTTACAGTTCCTCACAGCCTGTTATTTC[G>A]GCACAAGAGCAGGAGACTCAGGTAAGGCTTTTGTAAAAAGGTAATTAGTTTATGATAGGA-3'
Protein context (NP_000544.2, residues 1136-1156): KAYSSSQPVI[Ser1146=]AQEQETQIVL

ClinVar aggregate classification (germline): Likely benign. Review status: criteria provided, single submitter (1 of 4 stars). 2 submissions from 2 submitters: Likely benign (1). 1 of the submissions does not count toward it. Last evaluated 2024-04-22.

Conditions:
WRN-related disorder. Also called: WRN-related condition.
Werner syndrome (WRN). Identifiers: Orphanet 902, MedGen C0043119, MONDO:0010196, OMIM 277700.

Allele frequency attached by ClinVar (database versions not stated): ExAC 0.00001; gnomAD 0.00001; gnomAD exomes 0.00001; TOPMed 0.00002.
gnomAD v4.1: 15 of 1,613,570 alleles (0.00093%); highest among the groups gnomAD compares: South Asian, 0.0022%; no homozygotes.

Submissions (2):

Labcorp Genetics (formerly Invitae), Labcorp
Classification: Likely benign for Werner syndrome. Last evaluated: 2024-04-22. Review status: criteria provided, single submitter. Criteria: Invitae Variant Classification Sherloc (09022015). Collection method: clinical testing. Allele origin: germline.

PreventionGenetics, part of Exact Sciences
Classification: Likely benign for WRN-related condition. Last evaluated: 2024-08-07. Review status: no assertion criteria provided. Collection method: clinical testing. Allele origin: germline. Not counted in ClinVar's aggregate classification.
Comment: This variant is classified as likely benign based on ACMG/AMP sequence variant interpretation guidelines (Richards et al. 2015 PMID: 25741868, with internal and published modifications).